The following is an entry in ClinVar:

NM_000286.3(PEX12):c.959C>T (p.Ser320Phe)

Gene: PEX12 (peroxisomal biogenesis factor 12; minus strand). Cytogenetic location: 17q12.
Variant type: single nucleotide variant.
Coding change: c.959C>T on transcript NM_000286.3 (MANE Select); coding-DNA position 959, C replaced by T.
Protein change: p.Ser320Phe; replaces serine 320 with phenylalanine.
Molecular consequence: missense variant.
Genome position (GRCh38, 1-based): chr17:35,575,903, G>A on the plus strand (C>T on the coding strand, the complement: PEX12 is on the minus strand). VCF-style: chr17-35575903-G-A. GRCh37 (hg19) VCF-style: chr17-33902922-G-A.
Other names: short protein forms S320F.
Identifiers: ClinVar variation 7775 (VCV000007775.58), dbSNP rs28936697, ClinGen allele CA119067.

ClinVar aggregate classification (germline): Pathogenic/Likely pathogenic. Review status: criteria provided, multiple submitters, no conflicts (2 of 4 stars). 8 submissions from 8 submitters: Pathogenic (6); Likely pathogenic (1). 1 of the submissions does not count toward it. Last evaluated 2024-03-26.

Conditions:
Peroxisome biogenesis disorder 3A (Zellweger). Also called: PEROXISOMAL BIOGENESIS DISORDER 3A (ZELLWEGER); Peroxisome biogenesis disorder 3A. Identifiers: Orphanet 912, MedGen C3553929, MONDO:0013927, OMIM 614859.
Peroxisome biogenesis disorder type 3B. Identifiers: Orphanet 44, Orphanet 772, MedGen C3550693, MONDO:0009959, OMIM 266510.
Peroxisome biogenesis disorder. Identifiers: Orphanet 79189, MedGen C1832200, MONDO:0019234. Disease mechanism: loss of function.
Peroxisomal biogenesis disorder 3b. Identifiers: MedGen C3551381.

Allele frequency attached by ClinVar (database versions not stated): gnomAD exomes below 0.00001.

Submissions (8):

Labcorp Genetics (formerly Invitae), Labcorp
Classification: Pathogenic for Peroxisome biogenesis disorder 3A (Zellweger). Last evaluated: 2024-03-26. Review status: criteria provided, single submitter. Criteria: Invitae Variant Classification Sherloc (09022015). Collection method: clinical testing. Allele origin: germline.
Comment: This sequence change replaces serine, which is neutral and polar, with phenylalanine, which is neutral and non-polar, at codon 320 of the PEX12 protein (p.Ser320Phe). This variant is present in population databases (rs28936697, gnomAD 0.0009%). This missense change has been observed in individuals with peroxisomal biogenesis disorders (PMID: 15241794, 15542397). ClinVar contains an entry for this variant (Variation ID: 7775). Advanced modeling of protein sequence and biophysical properties (such as structural, functional, and spatial information, amino acid conservation, physicochemical variation, residue mobility, and thermodynamic stability) performed at Invitae indicates that this missense variant is expected to disrupt PEX12 protein function with a positive predictive value of 80%. Experimental studies have shown that this missense change affects PEX12 function (PMID: 10562279). For these reasons, this variant has been classified as Pathogenic.

Baylor Genetics
Classification: Pathogenic for Peroxisome biogenesis disorder 3A (Zellweger). Last evaluated: 2024-03-10. Review status: criteria provided, single submitter. Criteria: ACMG Guidelines, 2015. Collection method: clinical testing. Allele origin: unknown.

Department of Pathology and Laboratory Medicine, Sinai Health System
Classification: Pathogenic for Peroxisome biogenesis disorder type 3B; Peroxisome biogenesis disorder 3A (Zellweger). Last evaluated: 2022-11-21. Review status: criteria provided, single submitter. Criteria: ACMG Guidelines, 2015. Collection method: research. Allele origin: germline.

Women's Health and Genetics/Laboratory Corporation of America, LabCorp
Classification: Pathogenic for Peroxisome biogenesis disorder. Last evaluated: 2022-07-21. Review status: criteria provided, single submitter. Criteria: LabCorp Variant Classification Summary - May 2015. Collection method: clinical testing. Allele origin: germline.
Comment: Variant summary: PEX12 c.959C>T (p.Ser320Phe) results in a non-conservative amino acid change located in the RING/FYVE/PHD-type Zinc finger domain (IPR013083) of the encoded protein sequence. Five of five in-silico tools predict a damaging effect of the variant on protein function. The variant allele was found at a frequency of 4e-06 in 251482 control chromosomes (gnomAD). c.959C>T has been reported in the literature in several homozygous individuals affected with milder forms of peroxisome biogenesis disorders (PBDs) (Chang_1999, Gootjes_2004, Yik_2009, Ebberink_2011). These data indicate that the variant is very likely to be associated with disease.Publications also reported experimental evidence evaluating an impact on protein function, and demonstrated a partial loss of function for the variant protein (Chang_1999, Gootjes_2004). Four clinical diagnostic laboratories have submitted clinical-significance assessments for this variant to ClinVar after 2014, and all classified the variant as pathogenic (n=4) / likely pathogenic (n=1). Based on the evidence outlined above, the variant was classified as pathogenic.

CeGaT Center for Human Genetics Tuebingen
Classification: Likely pathogenic. Last evaluated: 2022-05-01. Review status: criteria provided, single submitter. Criteria: CeGaT Center For Human Genetics Tuebingen Variant Classification Criteria Version 2. Collection method: clinical testing. Allele origin: germline. Affected: yes. Observed: 3 variant alleles.
Comment: PEX12: PM2, PM3, PP3, PP4, PS3:Supporting

Institute of Medical Genetics and Applied Genomics, University Hospital Tübingen
Classification: Pathogenic. Last evaluated: 2020-10-23. Review status: criteria provided, single submitter. Criteria: ACMG Guidelines, 2015. Collection method: clinical testing. Allele origin: germline. Inheritance: Unknown mechanism. Affected: yes.

Genomic Research Center, Shahid Beheshti University of Medical Sciences
Classification: Pathogenic for Peroxisome biogenesis disorder 3A (Zellweger). Last evaluated: 2017-12-03. Review status: criteria provided, single submitter. Criteria: ACMG Guidelines, 2015. Collection method: clinical testing. Allele origin: inherited. Affected: yes.

OMIM
Classification: Pathogenic for PEROXISOMAL BIOGENESIS DISORDER 3B. Last evaluated: 2004-08-01. Review status: no assertion criteria provided. Collection method: literature only. Allele origin: germline. Not counted in ClinVar's aggregate classification.

Literature cited by the submitters: PubMed 15241794 (cited by 3 submitters); PubMed 15542397 (cited by Labcorp Genetics (formerly Invitae), Labcorp); PubMed 10562279 (cited by Labcorp Genetics (formerly Invitae), Labcorp and Women's Health and Genetics/Laboratory Corporation of America, LabCorp); PubMed 19105186 (cited by Women's Health and Genetics/Laboratory Corporation of America, LabCorp); PubMed 21031596 (cited by Women's Health and Genetics/Laboratory Corporation of America, LabCorp); PubMed 15184617 (cited by Women's Health and Genetics/Laboratory Corporation of America, LabCorp); PubMed 12032265 (cited by OMIM).